The following is an entry in ClinVar:

ClinVar aggregate classification (germline): Conflicting classifications of pathogenicity. Review status: criteria provided, conflicting classifications (1 of 4 stars). 11 submissions from 11 submitters: Uncertain significance (1); Benign (2); Likely benign (5). 3 of the submissions do not count toward it. Last evaluated 2026-02-01.

Conditions:
Cardiovascular phenotype. Identifiers: MedGen CN230736.
AKAP9-related disorder. Also called: AKAP9-related condition.
Long QT syndrome (LQTS). Identifiers: MedGen C0023976, MeSH D008133, MONDO:0002442. Disease mechanism: loss of function. Inheritance: Various modes of inheritance.
Long QT syndrome 11 (LQT11). Identifiers: Orphanet 101016, Orphanet 768, MedGen C2678483, MONDO:0012738, OMIM 611820.

Allele frequency attached by ClinVar (database versions not stated): 1000 Genomes Project 30x 0.00062; TOPMed 0.00071; 1000 Genomes Project 0.00080; ESP Exome Variant Server 0.00085; gnomAD 0.00092 and 0.00093; gnomAD exomes 0.00102 and 0.00108; ExAC 0.00126.
gnomAD v4.1: 1,711 of 1,614,146 alleles (0.11%); highest among the groups gnomAD compares: Non-Finnish European, 0.13%; 1 homozygote.

Submissions (11):

Labcorp Genetics (formerly Invitae), Labcorp
Classification: Likely benign for Long QT syndrome. Last evaluated: 2026-02-01. Review status: criteria provided, single submitter. Criteria: Invitae Variant Classification Sherloc (09022015). Collection method: clinical testing. Allele origin: germline.

Blueprint Genetics
Classification: Likely benign. Last evaluated: 2024-11-26. Review status: criteria provided, single submitter. Criteria: ACMG Guidelines, 2015. Collection method: clinical testing. Allele origin: germline.

CeGaT Center for Human Genetics Tuebingen
Classification: Benign. Last evaluated: 2022-05-01. Review status: criteria provided, single submitter. Criteria: CeGaT Center For Human Genetics Tuebingen Variant Classification Criteria Version 2. Collection method: clinical testing. Allele origin: germline. Affected: yes. Observed: 1 variant allele.
Comment: AKAP9: BS1, BS2

Women's Health and Genetics/Laboratory Corporation of America, LabCorp
Classification: Benign. Last evaluated: 2019-11-26. Review status: criteria provided, single submitter. Criteria: LabCorp Variant Classification Summary - May 2015. Collection method: clinical testing. Allele origin: germline.
Comment: Variant summary: AKAP9 c.8286A>C (p.Lys2762Asn) results in a non-conservative amino acid change in the encoded protein sequence. Three of five in-silico tools predict a benign effect of the variant on protein function. The variant allele was found at a frequency of 0.001 in 250844 control chromosomes, predominantly at a frequency of 0.0019 within the Non-Finnish European subpopulation in the gnomAD database, including 1 homozygote. The observed variant frequency within Non-Finnish European control individuals in the gnomAD database is approximately 190 fold higher than the estimated maximal expected allele frequency for a pathogenic variant in AKAP9 causing Arrhythmia phenotype (1e-05), strongly suggesting that the variant is a benign polymorphism. c.8286A>C has been reported in the literature in heterozygous individuals without ECG signs of Long QT Syndrome (Ghouse_2015). To our knowledge, no experimental evidence demonstrating an impact on protein function has been reported. Three ClinVar submissions (evaluation after 2014) cite the variant twice as likely benign and once as uncertain significance. Based on the evidence outlined above, the variant was classified as benign.

Ambry Genetics
Classification: Likely benign for Cardiovascular phenotype. Last evaluated: 2019-01-10. Review status: criteria provided, single submitter. Criteria: Ambry Variant Classification Scheme 2023. Collection method: clinical testing. Allele origin: germline.

Eurofins Ntd Llc (ga)
Classification: Uncertain significance. Last evaluated: 2015-01-14. Review status: criteria provided, single submitter. Criteria: EGL Classification Definitions 2015. Collection method: clinical testing. Allele origin: germline. Observed: 1 variant allele, 1 heterozygote.

Genome Diagnostics Laboratory, University Medical Center Utrecht
Classification: Likely benign for Long QT syndrome 11. Last evaluated: 2014-10-09. Review status: criteria provided, single submitter. Criteria: ACGS Guidelines, 2013. Collection method: clinical testing. Allele origin: germline. Affected: yes. Study: VKGL Data-share Consensus.

Biesecker Lab/Clinical Genomics Section, National Institutes of Health
Classification: Likely benign. Last evaluated: 2013-06-24. Review status: criteria provided, single submitter. Criteria: Ng et al. (Circ Cardiovasc Genet. 2013). Collection method: research. Allele origin: unknown. Observed: 1 variant allele. Study: ClinSeq.
Comment: The study set was not selected for affection status in relation to any cancer. Pathogenicity categories were based on literature curation. See Pubmed ID:23861362 for details.

Medical sequencing

PreventionGenetics, part of Exact Sciences
Classification: Likely benign for AKAP9-related condition. Last evaluated: 2022-06-13. Review status: no assertion criteria provided. Collection method: clinical testing. Allele origin: germline. Not counted in ClinVar's aggregate classification.
Comment: This variant is classified as likely benign based on ACMG/AMP sequence variant interpretation guidelines (Richards et al. 2015 PMID: 25741868, with internal and published modifications).

Clinical Genetics, Academic Medical Center
Classification: Benign. Review status: no assertion criteria provided. Collection method: clinical testing. Allele origin: germline. Affected: yes. Study: VKGL Data-share Consensus. Not counted in ClinVar's aggregate classification.

Joint Genome Diagnostic Labs from Nijmegen and Maastricht, Radboudumc and MUMC+
Classification: Likely benign. Review status: no assertion criteria provided. Collection method: clinical testing. Allele origin: germline. Affected: yes. Study: VKGL Data-share Consensus. Not counted in ClinVar's aggregate classification.

Literature cited by the submitters: PubMed 23861362 (cited by Women's Health and Genetics/Laboratory Corporation of America, LabCorp); PubMed 26159999 (cited by Women's Health and Genetics/Laboratory Corporation of America, LabCorp).

NM_005751.5(AKAP9):c.8286A>C (p.Lys2762Asn)

Gene: AKAP9 (A-kinase anchoring protein 9; plus strand). Cytogenetic location: 7q21.2.
Variant type: single nucleotide variant.
Coding change: c.8286A>C on transcript NM_005751.5 (MANE Select); coding-DNA position 8286, A replaced by C.
Protein change: p.Lys2762Asn; replaces lysine 2762 with asparagine.
Molecular consequence: missense variant.
Genome position (GRCh38, 1-based): chr7:92,083,295, A>C. VCF-style: chr7-92083295-A-C. GRCh37 (hg19) VCF-style: chr7-91712609-A-C.
Other names: c.2931A>C, p.Lys977Asn (NM_001379277.1); c.8262A>C, p.Lys2754Asn (NM_147185.3); short protein forms K2762N, K2754N, K977N.
Identifiers: ClinVar variation 191522 (VCV000191522.52), dbSNP rs144875383, ClinGen allele CA236888.